The following is an entry in ClinVar:

ClinVar aggregate classification (germline): Conflicting classifications of pathogenicity. Review status: criteria provided, conflicting classifications (1 of 4 stars). 8 submissions from 8 submitters: Uncertain significance (3); Likely benign (4). 1 of the submissions does not count toward it. Last evaluated 2025-02-17.

Conditions:
Endometrial carcinoma. Also called: Endometrial carcinoma, somatic. Identifiers: MedGen C0476089, MONDO:0002447, OMIM 608089, HP:0012114.
MSH6-related disorder. Also called: MSH6-related condition; MSH6-Related disorders.
Hereditary nonpolyposis colorectal neoplasms. Identifiers: MedGen C0009405, MeSH D003123.
Hereditary cancer-predisposing syndrome. Also called: Hereditary neoplastic syndrome; Tumor predisposition; Neoplastic Syndromes, Hereditary; Hereditary Cancer Syndrome. Identifiers: Orphanet 140162, MedGen C0027672, MeSH D009386, MONDO:0015356.
Lynch syndrome. Identifiers: Orphanet 144, MedGen C4552100, MONDO:0005835. Disease mechanism: loss of function.

Allele frequency attached by ClinVar (database versions not stated): gnomAD exomes below 0.00001.
gnomAD v4.1: 4 of 1,614,014 alleles (0.00025%); highest among the groups gnomAD compares: Admixed American, 0.0033%; no homozygotes.

Submissions (8):

Labcorp Genetics (formerly Invitae), Labcorp
Classification: Likely benign for Hereditary nonpolyposis colorectal neoplasms. Last evaluated: 2025-02-17. Review status: criteria provided, single submitter. Criteria: Invitae Variant Classification Sherloc (09022015). Collection method: clinical testing. Allele origin: germline.

Color Diagnostics, LLC DBA Color Health
Classification: Likely benign for Hereditary cancer-predisposing syndrome. Last evaluated: 2024-10-10. Review status: criteria provided, single submitter. Criteria: ACMG Guidelines, 2015. Collection method: clinical testing. Allele origin: germline.

Ambry Genetics
Classification: Likely benign for Hereditary cancer-predisposing syndrome. Last evaluated: 2024-08-20. Review status: criteria provided, single submitter. Criteria: Ambry Variant Classification Scheme 2023. Collection method: clinical testing. Allele origin: germline.

Baylor Genetics
Classification: Uncertain significance for Endometrial carcinoma. Last evaluated: 2024-02-06. Review status: criteria provided, single submitter. Criteria: ACMG Guidelines, 2015. Collection method: clinical testing. Allele origin: unknown.

Quest Diagnostics Nichols Institute San Juan Capistrano
Classification: Uncertain significance. Last evaluated: 2023-10-17. Review status: criteria provided, single submitter. Criteria: Quest Diagnostics criteria. Collection method: clinical testing. Allele origin: unknown.
Comment: The MSH6 c.2413A>G (p.Ile805Val) variant has not been reported in the published literature. The frequency of this variant in the general population, 0.000004 (1/250622 chromosomes (Genome Aggregation Database)), is uninformative in the assessment of its pathogenicity. Analysis of this variant using bioinformatics tools (i.e., MutationTaster and PolyPhen-2) for the prediction of the effect of amino acid changes on protein structure and function yielded predictions that this variant is benign. Based on the available information, we are unable to determine the clinical significance of this variant.

All of Us Research Program, National Institutes of Health
Classification: Likely benign for Lynch syndrome. Last evaluated: 2023-09-17. Review status: criteria provided, single submitter. Criteria: ACMG Guidelines, 2015. Collection method: clinical testing. Allele origin: germline. Inheritance: Autosomal dominant inheritance. Observed: 2 variant alleles, 2 heterozygotes.
Comment: This study involves interpretation of variants in research participants for the purpose of population health screening. Participant phenotype was not available at the time of variant classification. Additional details can be found in publication PMID: 35346344, PMCID: PMC8962531

CeGaT Center for Human Genetics Tuebingen
Classification: Uncertain significance. Last evaluated: 2022-05-01. Review status: criteria provided, single submitter. Criteria: CeGaT Center For Human Genetics Tuebingen Variant Classification Criteria Version 2. Collection method: clinical testing. Allele origin: germline. Affected: yes. Observed: 1 variant allele.
Comment: MSH6: PP2, BP4

PreventionGenetics, part of Exact Sciences
Classification: Uncertain significance for MSH6-related condition. Last evaluated: 2024-07-13. Review status: no assertion criteria provided. Collection method: clinical testing. Allele origin: germline. Not counted in ClinVar's aggregate classification.
Comment: The MSH6 c.2413A>G variant is predicted to result in the amino acid substitution p.Ile805Val. To our knowledge, this variant has not been reported in the literature. This variant is reported in 0.0029% of alleles in individuals of Latino descent in gnomAD. This variant has conflicting interpretations in ClinVar from uncertain significance to likely benign. At this time, the clinical significance of this variant is uncertain due to the absence of conclusive functional and genetic evidence.

NM_000179.3(MSH6):c.2413A>G (p.Ile805Val)

Gene: MSH6 (mutS homolog 6; plus strand). Cytogenetic location: 2p16.3.
Variant type: single nucleotide variant.
Coding change: c.2413A>G on transcript NM_000179.3 (MANE Select); coding-DNA position 2413, A replaced by G.
Protein change: p.Ile805Val; replaces isoleucine 805 with valine.
Molecular consequence: missense variant.
Genome position (GRCh38, 1-based): chr2:47,800,396, A>G. VCF-style: chr2-47800396-A-G. GRCh37 (hg19) VCF-style: chr2-48027535-A-G.
Other names: c.2023A>G, p.Ile675Val (NM_001281492.2); c.1507A>G, p.Ile503Val (NM_001281493.2, NM_001281494.2); short protein forms I805V, I503V, I675V.
Identifiers: ClinVar variation 479914 (VCV000479914.56), dbSNP rs928923556, ClinGen allele CA46711082.
Genomic context (GRCh38, chr2:47,800,396, plus strand): 5'-CATTATGCTATTAATGATCGTCTAGATGCCATAGAAGACCTCATGGTTGTGCCTGACAAA[A>G]TCTCCGAAGTTGTAGAGCTTCTAAAGAAGCTTCCAGATCTTGAGAGGCTACTCAGTAAAA-3'
Protein context (NP_000170.1, residues 795-815): IEDLMVVPDK[Ile805Val]SEVVELLKKL